The following is an entry in ClinVar:

NM_018051.5(DYNC2I1):c.2663G>A (p.Gly888Asp)

Gene: DYNC2I1 (dynein 2 intermediate chain 1; plus strand). Cytogenetic location: 7q36.3.
Variant type: single nucleotide variant.
Coding change: c.2663G>A on transcript NM_018051.5 (MANE Select); coding-DNA position 2663, G replaced by A.
Protein change: p.Gly888Asp; replaces glycine 888 with aspartic acid.
Molecular consequence: missense variant.
Genome position (GRCh38, 1-based): chr7:158,934,434, G>A. VCF-style: chr7-158934434-G-A. GRCh37 (hg19) VCF-style: chr7-158727125-G-A.
Other names: c.2525G>A, p.Gly842Asp (NM_001350914.2); c.2090G>A, p.Gly697Asp (NM_001350915.2); c.1202G>A, p.Gly401Asp (NM_001350916.2); c.1415G>A, p.Gly472Asp (NM_001350917.2, NM_001350918.2); short protein forms G401D, G472D, G697D, G842D, G888D.
Identifiers: ClinVar variation 1680720 (VCV001680720.4), dbSNP rs1850547827, ClinGen allele CA370186291.

ClinVar aggregate classification (germline): Uncertain significance (1 of 4 stars; one submission).

Conditions:
Short-rib thoracic dysplasia 8 with or without polydactyly (SRTD8). Also called: SHORT-RIB THORACIC DYSPLASIA 8 WITH POLYDACTYLY. Identifiers: Orphanet 93271, MedGen C3809691, MONDO:0014214, OMIM 615503.

Allele frequency attached by ClinVar (database versions not stated): gnomAD exomes below 0.00001; TOPMed below 0.00001.
gnomAD v4.1: 4 of 1,603,018 alleles (0.00025%); highest among the groups gnomAD compares: Admixed American, 0.0068%; no homozygotes.

Submission:

Labcorp Genetics (formerly Invitae), Labcorp
Classification: Uncertain significance for Short-rib thoracic dysplasia 8 with or without polydactyly. Last evaluated: 2022-08-16. Review status: criteria provided, single submitter. Criteria: Invitae Variant Classification Sherloc (09022015). Collection method: clinical testing. Allele origin: germline.
Comment: This variant is not present in population databases (gnomAD no frequency). In summary, the available evidence is currently insufficient to determine the role of this variant in disease. Therefore, it has been classified as a Variant of Uncertain Significance. Algorithms developed to predict the effect of missense changes on protein structure and function are either unavailable or do not agree on the potential impact of this missense change (SIFT: "Tolerated"; PolyPhen-2: "Probably Damaging"; Align-GVGD: "Class C0"). ClinVar contains an entry for this variant (Variation ID: 1680720). This variant has not been reported in the literature in individuals affected with WDR60-related conditions. This sequence change replaces glycine, which is neutral and non-polar, with aspartic acid, which is acidic and polar, at codon 888 of the WDR60 protein (p.Gly888Asp).